The following is an entry in ClinVar:

ClinVar aggregate classification (germline): Uncertain significance (1 of 4 stars; one submission).

Allele frequency attached by ClinVar (database versions not stated): TOPMed below 0.00001; gnomAD 0.00001.
gnomAD v4.1: 1 of 1,599,972 alleles (0.000063%); highest among the groups gnomAD compares: African/African-American, 0.0013%; no homozygotes.

Submission:

Labcorp Genetics (formerly Invitae), Labcorp
Classification: Uncertain significance. Last evaluated: 2022-02-22. Review status: criteria provided, single submitter. Criteria: Invitae Variant Classification Sherloc (09022015). Collection method: clinical testing. Allele origin: germline.
Comment: This sequence change replaces glutamic acid, which is acidic and polar, with lysine, which is basic and polar, at codon 590 of the BCL11B protein (p.Glu590Lys). This variant is not present in population databases (gnomAD no frequency). This variant has not been reported in the literature in individuals affected with BCL11B-related conditions. Algorithms developed to predict the effect of missense changes on protein structure and function are either unavailable or do not agree on the potential impact of this missense change (SIFT: "Deleterious"; PolyPhen-2: "Benign"; Align-GVGD: "Class C0"). In summary, the available evidence is currently insufficient to determine the role of this variant in disease. Therefore, it has been classified as a Variant of Uncertain Significance.

NM_138576.4(BCL11B):c.1768G>A (p.Glu590Lys)

Gene: BCL11B (BCL11 transcription factor B; minus strand). Cytogenetic location: 14q32.2.
Variant type: single nucleotide variant.
Coding change: c.1768G>A on transcript NM_138576.4 (MANE Select); coding-DNA position 1768, G replaced by A.
Protein change: p.Glu590Lys; replaces glutamic acid 590 with lysine.
Molecular consequence: missense variant.
Genome position (GRCh38, 1-based): chr14:99,175,068, C>T on the plus strand (G>A on the coding strand, the complement: BCL11B is on the minus strand). VCF-style: chr14-99175068-C-T. GRCh37 (hg19) VCF-style: chr14-99641405-C-T.
Other names: c.1765G>A, p.Glu589Lys (NM_001282237.2); c.1552G>A, p.Glu518Lys (NM_001282238.2); c.1555G>A, p.Glu519Lys (NM_022898.3); short protein forms E518K, E590K, E519K, E589K.
Identifiers: ClinVar variation 1973272 (VCV001973272.5), dbSNP rs1886445298, ClinGen allele CA390934652.
Genomic context (GRCh38, chr14:99,175,068, plus strand): 5'-ACTGCGGCAGTGCGCCTAGGCCCACGTTCTCCATGACCTTGCCCAGCACCAGCGCCTTCT[C>T]GTCAGCCAGCGCCTTGGCCGCGCCGCCCCCCGCGCCCGGGACCCCGGGCACCCCACCACC-3'
Protein context (NP_612808.1, residues 580-600): GGGAAKALAD[Glu590Lys]KALVLGKVME